The following is an entry in ClinVar:

ClinVar aggregate classification (germline): Uncertain significance (1 of 4 stars; one submission).

Conditions:
Early-onset Lafora body disease. Also called: Epilepsy, progressive myoclonic, 10. Identifiers: Orphanet 324290, MedGen C4225258, MONDO:0014717, OMIM 616640.

Submission:

Labcorp Genetics (formerly Invitae), Labcorp
Classification: Uncertain significance for Early-onset Lafora body disease. Last evaluated: 2021-05-03. Review status: criteria provided, single submitter. Criteria: Invitae Variant Classification Sherloc (09022015). Collection method: clinical testing. Allele origin: germline.
Comment: In summary, the available evidence is currently insufficient to determine the role of this variant in disease. Therefore, it has been classified as a Variant of Uncertain Significance. Algorithms developed to predict the effect of missense changes on protein structure and function are either unavailable or do not agree on the potential impact of this missense change (SIFT: "Deleterious"; PolyPhen-2: "Probably Damaging"; Align-GVGD: "Class C15"). This variant has not been reported in the literature in individuals with PRDM8-related conditions. This variant is not present in population databases (ExAC no frequency). This sequence change replaces serine with tryptophan at codon 687 of the PRDM8 protein (p.Ser687Trp). The serine residue is moderately conserved and there is a large physicochemical difference between serine and tryptophan.

NM_001099403.2(PRDM8):c.2060C>G (p.Ser687Trp)

Gene: PRDM8 (PR/SET domain 8; plus strand). Cytogenetic location: 4q21.21.
Variant type: single nucleotide variant.
Coding change: c.2060C>G on transcript NM_001099403.2 (MANE Select); coding-DNA position 2060, C replaced by G.
Protein change: p.Ser687Trp; replaces serine 687 with tryptophan.
Molecular consequence: missense variant.
Genome position (GRCh38, 1-based): chr4:80,203,522, C>G. VCF-style: chr4-80203522-C-G. GRCh37 (hg19) VCF-style: chr4-81124676-C-G.
Other names: c.2060C>G, p.Ser687Trp (NM_020226.4); short protein forms S687W.
Identifiers: ClinVar variation 1414854 (VCV001414854.8), dbSNP rs2109880891, ClinGen allele CA357404328.